The following is an entry in ClinVar:

ClinVar aggregate classification (germline): Uncertain significance (1 of 4 stars; one submission).

gnomAD v4.1: 15 of 1,612,866 alleles (0.00093%); highest among the groups gnomAD compares: Non-Finnish European, 0.0011%; no homozygotes.

Submission:

Labcorp Genetics (formerly Invitae), Labcorp
Classification: Uncertain significance. Last evaluated: 2025-07-14. Review status: criteria provided, single submitter. Criteria: Invitae Variant Classification Sherloc (09022015). Collection method: clinical testing. Allele origin: germline.
Comment: This sequence change replaces isoleucine, which is neutral and non-polar, with leucine, which is neutral and non-polar, at codon 343 of the GHRHR protein (p.Ile343Leu). This variant is present in population databases (no rsID available, gnomAD 0.03%). This variant has not been reported in the literature in individuals affected with GHRHR-related conditions. ClinVar contains an entry for this variant (Variation ID: 1948699). Invitae Evidence Modeling of protein sequence and biophysical properties (such as structural, functional, and spatial information, amino acid conservation, physicochemical variation, residue mobility, and thermodynamic stability) indicates that this missense variant is not expected to disrupt GHRHR protein function with a negative predictive value of 80%. In summary, the available evidence is currently insufficient to determine the role of this variant in disease. Therefore, it has been classified as a Variant of Uncertain Significance.

NM_000823.4(GHRHR):c.1027A>C (p.Ile343Leu)

Gene: GHRHR (growth hormone releasing hormone receptor; plus strand). Cytogenetic location: 7p14.3.
Variant type: single nucleotide variant.
Coding change: c.1027A>C on transcript NM_000823.4 (MANE Select); coding-DNA position 1027, A replaced by C.
Protein change: p.Ile343Leu; replaces isoleucine 343 with leucine.
Molecular consequence: missense variant.
Genome position (GRCh38, 1-based): chr7:30,976,481, A>C. VCF-style: chr7-30976481-A-C. GRCh37 (hg19) VCF-style: chr7-31016096-A-C.
Other names: short protein forms I343L.
Identifiers: ClinVar variation 1948699 (VCV001948699.5), dbSNP rs372024874, ClinGen allele CA156118136.